The following is an entry in ClinVar:

ClinVar aggregate classification (germline): Uncertain significance. Review status: criteria provided, multiple submitters, no conflicts (2 of 4 stars). 3 submissions from 3 submitters: Uncertain significance (3). Last evaluated 2026-08-15.

Conditions:
Gorlin syndrome. Also called: Nevoid Basal Cell Carcinoma Syndrome; Basal cell nevus syndrome. Identifiers: Orphanet 377, MedGen C0004779, MONDO:0007187.
Medulloblastoma (MDB). Also called: MEDULLOBLASTOMA PREDISPOSITION SYNDROME; Medulloblastoma, somatic. Identifiers: Orphanet 616, MedGen C0025149, MeSH D008527, MONDO:0007959, OMIM 155255, HP:0002885.
Hereditary cancer-predisposing syndrome. Also called: Tumor predisposition; Hereditary Cancer Syndrome; Hereditary neoplastic syndrome; Neoplastic Syndromes, Hereditary. Identifiers: Orphanet 140162, MedGen C0027672, MeSH D009386, MONDO:0015356.

Submissions (3):

Ambry Genetics
Classification: Uncertain significance for Hereditary cancer-predisposing syndrome. Last evaluated: 2026-08-15. Review status: criteria provided, single submitter. Criteria: Ambry Variant Classification Scheme 2023. Collection method: clinical testing. Allele origin: germline.
Comment: The p.L380H variant (also known as c.1139T>A), located in coding exon 9 of the SUFU gene, results from a T to A substitution at nucleotide position 1139. The leucine at codon 380 is replaced by histidine, an amino acid with similar properties. This amino acid position is conserved. In addition, this alteration is predicted to be deleterious by in silico analysis. Based on the available evidence, the clinical significance of this variant remains unclear.

Labcorp Genetics (formerly Invitae), Labcorp
Classification: Uncertain significance for Gorlin syndrome; Medulloblastoma. Last evaluated: 2023-07-06. Review status: criteria provided, single submitter. Criteria: Invitae Variant Classification Sherloc (09022015). Collection method: clinical testing. Allele origin: germline.
Comment: This sequence change replaces leucine, which is neutral and non-polar, with histidine, which is basic and polar, at codon 380 of the SUFU protein (p.Leu380His). This variant is not present in population databases (gnomAD no frequency). This variant has not been reported in the literature in individuals affected with SUFU-related conditions. ClinVar contains an entry for this variant (Variation ID: 1001598). Advanced modeling of protein sequence and biophysical properties (such as structural, functional, and spatial information, amino acid conservation, physicochemical variation, residue mobility, and thermodynamic stability) has been performed at Invitae for this missense variant, however the output from this modeling did not meet the statistical confidence thresholds required to predict the impact of this variant on SUFU protein function. In summary, the available evidence is currently insufficient to determine the role of this variant in disease. Therefore, it has been classified as a Variant of Uncertain Significance.

Revvity Omics, Revvity
Classification: Uncertain significance. Last evaluated: 2021-12-20. Review status: criteria provided, single submitter. Criteria: ACMG Guidelines, 2015. Collection method: clinical testing. Allele origin: germline.

NM_016169.4(SUFU):c.1139T>A (p.Leu380His)

Gene: SUFU (SUFU negative regulator of hedgehog signaling; plus strand). Cytogenetic location: 10q24.32.
Variant type: single nucleotide variant.
Coding change: c.1139T>A on transcript NM_016169.4 (MANE Select); coding-DNA position 1139, T replaced by A.
Protein change: p.Leu380His; replaces leucine 380 with histidine.
Molecular consequence: missense variant.
Genome position (GRCh38, 1-based): chr10:102,615,384, T>A. VCF-style: chr10-102615384-T-A. GRCh37 (hg19) VCF-style: chr10-104375141-T-A.
Other names: c.1139T>A, p.Leu380His (NM_001178133.2); c.1139T>A (NM_016169.3); short protein forms L380H.
Identifiers: ClinVar variation 1001598 (VCV001001598.12), dbSNP rs2063675268, ClinGen allele CA377914503.